The following is an entry in ClinVar:

ClinVar aggregate classification (germline): Uncertain significance (1 of 4 stars; one submission).

Conditions:
Menkes kinky-hair syndrome (MNK). Also called: Menkes Disease; Copper transport disease; Classic Menkes Disease. Identifiers: Orphanet 565, MedGen C0022716, MONDO:0010651, OMIM 309400.
Cutis laxa, X-linked (OHS). Also called: EDS IX; Occipital horn syndrome. Identifiers: Orphanet 198, MedGen C0268353, MONDO:0010572, OMIM 304150.
X-linked distal spinal muscular atrophy type 3. Also called: ATP7A-Related Distal Motor Neuropathy; SPINAL MUSCULAR ATROPHY, DISTAL, X-LINKED RECESSIVE; NEURONOPATHY, DISTAL HEREDITARY MOTOR, X-LINKED; NEUROPATHY, DISTAL HEREDITARY MOTOR, X-LINKED. Identifiers: Orphanet 139557, MedGen C1845359, MONDO:0010338, OMIM 300489.

Submission:

Labcorp Genetics (formerly Invitae), Labcorp
Classification: Uncertain significance for X-linked distal spinal muscular atrophy type 3; Cutis laxa, X-linked; Menkes kinky-hair syndrome. Last evaluated: 2025-03-19. Review status: criteria provided, single submitter. Criteria: Invitae Variant Classification Sherloc (09022015). Collection method: clinical testing. Allele origin: germline.
Comment: This sequence change replaces glycine, which is neutral and non-polar, with alanine, which is neutral and non-polar, at codon 248 of the ATP7A protein (p.Gly248Ala). This variant is not present in population databases (gnomAD no frequency). This variant has not been reported in the literature in individuals affected with ATP7A-related conditions. Invitae Evidence Modeling of protein sequence and biophysical properties (such as structural, functional, and spatial information, amino acid conservation, physicochemical variation, residue mobility, and thermodynamic stability) indicates that this missense variant is not expected to disrupt ATP7A protein function with a negative predictive value of 95%. In summary, the available evidence is currently insufficient to determine the role of this variant in disease. Therefore, it has been classified as a Variant of Uncertain Significance.

NM_000052.7(ATP7A):c.743G>C (p.Gly248Ala)

Gene: ATP7A (ATPase copper transporting alpha; plus strand). Cytogenetic location: Xq21.1.
Variant type: single nucleotide variant.
Coding change: c.743G>C on transcript NM_000052.7 (MANE Select); coding-DNA position 743, G replaced by C.
Protein change: p.Gly248Ala; replaces glycine 248 with alanine.
Molecular consequence: missense variant.
Genome position (GRCh38, 1-based): chrX:77,989,365, G>C. VCF-style: chrX-77989365-G-C. GRCh37 (hg19) VCF-style: chrX-77244861-G-C.
Other names: c.743G>C, p.Gly248Ala (NM_001282224.2); short protein forms G248A.
Identifiers: ClinVar variation 4782500 (VCV004782500.1).